The following is an entry in ClinVar:

ClinVar aggregate classification (germline): Pathogenic (1 of 4 stars; one submission).

Conditions:
USH2A-related disorder. Also called: USH2A-related condition; USH2A-related disorders. Identifiers: MedGen CN239332.

Submission:

Myriad Genetics, Inc.
Classification: Pathogenic for USH2A-related disorder. Last evaluated: 2024-04-06. Review status: criteria provided, single submitter. Criteria: Myriad Autosomal Dominant, Autosomal Recessive and X-Linked Classification Criteria (2023). Collection method: clinical testing. Allele origin: unknown.
Comment: NM_206933.2(USH2A):c.12778C>T(Q4260*) is expected to be pathogenic in the context of USH2A-related disorders. This variant is predicted to lead to an abnormal or absent protein product due to the creation of a premature termination codon in USH2A, a gene where loss-of-function variants are known to be pathogenic. Please note: this variant was assessed in the context of healthy population screening.

NM_206933.4(USH2A):c.12778C>T (p.Gln4260Ter)

Gene: USH2A (usherin; minus strand). Cytogenetic location: 1q41.
Variant type: single nucleotide variant.
Coding change: c.12778C>T on transcript NM_206933.4 (MANE Select); coding-DNA position 12778, C replaced by T.
Protein change: p.Gln4260Ter; replaces glutamine 4260 with a stop codon.
Molecular consequence: nonsense.
Genome position (GRCh38, 1-based): chr1:215,675,133, G>A on the plus strand (C>T on the coding strand, the complement: USH2A is on the minus strand). VCF-style: chr1-215675133-G-A. GRCh37 (hg19) VCF-style: chr1-215848475-G-A.
Other names: short protein forms Q4260*.
Identifiers: ClinVar variation 5012899 (VCV005012899.1).